The following is an entry in ClinVar:

ClinVar aggregate classification (germline): Uncertain significance (1 of 4 stars; one submission).

Allele frequency attached by ClinVar (database versions not stated): gnomAD 0.00001; gnomAD exomes 0.00001.
gnomAD v4.1: 7 of 1,613,326 alleles (0.00043%); highest among the groups gnomAD compares: East Asian, 0.013%; no homozygotes.

Submission:

Labcorp Genetics (formerly Invitae), Labcorp
Classification: Uncertain significance. Last evaluated: 2022-01-17. Review status: criteria provided, single submitter. Criteria: Invitae Variant Classification Sherloc (09022015). Collection method: clinical testing. Allele origin: germline.
Comment: In summary, the available evidence is currently insufficient to determine the role of this variant in disease. Therefore, it has been classified as a Variant of Uncertain Significance. Algorithms developed to predict the effect of missense changes on protein structure and function are either unavailable or do not agree on the potential impact of this missense change (SIFT: "Deleterious"; PolyPhen-2: "Probably Damaging"; Align-GVGD: "Class C0"). This missense change has been observed in individual(s) with clinical features of primary ciliary dyskinesia (Invitae). This variant is present in population databases (no rsID available, gnomAD 0.01%). This sequence change replaces leucine, which is neutral and non-polar, with arginine, which is basic and polar, at codon 3963 of the DNAH9 protein (p.Leu3963Arg).

NM_001372.4(DNAH9):c.11888T>G (p.Leu3963Arg)

Gene: DNAH9 (dynein axonemal heavy chain 9; plus strand). Cytogenetic location: 17p12.
Variant type: single nucleotide variant.
Coding change: c.11888T>G on transcript NM_001372.4 (MANE Select); coding-DNA position 11888, T replaced by G.
Protein change: p.Leu3963Arg; replaces leucine 3963 with arginine.
Molecular consequence: missense variant.
Genome position (GRCh38, 1-based): chr17:11,929,876, T>G. VCF-style: chr17-11929876-T-G. GRCh37 (hg19) VCF-style: chr17-11833193-T-G.
Other names: c.824T>G, p.Leu275Arg (NM_004662.2); short protein forms L275R, L3963R.
Identifiers: ClinVar variation 2087104 (VCV002087104.4), dbSNP rs1217911813, ClinGen allele CA398210517.